The following is an entry in ClinVar:

ClinVar aggregate classification (germline): Uncertain significance. Review status: criteria provided, multiple submitters, no conflicts (2 of 4 stars). 2 submissions from 2 submitters: Uncertain significance (2). Last evaluated 2026-04-14.

Conditions:
Familial intrahepatic cholestasis. Identifiers: Orphanet 284385, MedGen CN296401, MONDO:0017290.

gnomAD v4.1: 7 of 1,613,702 alleles (0.00043%); highest among the groups gnomAD compares: African/African-American, 0.0013%; no homozygotes.

Submissions (2):

Genomenon, Inc
Classification: Uncertain significance for Familial intrahepatic cholestasis. Last evaluated: 2026-04-14. Review status: criteria provided, single submitter. Criteria: Genomenon Sequence Variant Interpretation Standards - Updated. Collection method: curation. Allele origin: germline. Affected: no.
Comment: ATP8B1 p.Arg833Trp (c.2497C>T) is a missense variant that changes the amino acid at residue 833 from Arginine to Tryptophan. This variant has been reported in the published literature (PMID:24260417). It is absent or not present at a significant frequency in gnomAD. In silico models predict that this variant is not damaging. In conclusion, we classify ATP8B1 p.Arg833Trp (c.2497C>T) as a variant of uncertain significance.

Labcorp Genetics (formerly Invitae), Labcorp
Classification: Uncertain significance. Last evaluated: 2024-08-14. Review status: criteria provided, single submitter. Criteria: Invitae Variant Classification Sherloc (09022015). Collection method: clinical testing. Allele origin: germline.
Comment: This sequence change replaces arginine, which is basic and polar, with tryptophan, which is neutral and slightly polar, at codon 833 of the ATP8B1 protein (p.Arg833Trp). This variant is present in population databases (no rsID available, gnomAD 0.01%). This variant has not been reported in the literature in individuals affected with ATP8B1-related conditions. Invitae Evidence Modeling of protein sequence and biophysical properties (such as structural, functional, and spatial information, amino acid conservation, physicochemical variation, residue mobility, and thermodynamic stability) indicates that this missense variant is not expected to disrupt ATP8B1 protein function with a negative predictive value of 80%. In summary, the available evidence is currently insufficient to determine the role of this variant in disease. Therefore, it has been classified as a Variant of Uncertain Significance.

Literature cited by the submitters: PubMed 24260417 (cited by Genomenon, Inc).

NM_001374385.1(ATP8B1):c.2497C>T (p.Arg833Trp)

Genes: ATP8B1 (ATPase phospholipid transporting 8B1; minus strand), ATP8B1-AS1 (ATP8B1 antisense RNA 1; plus strand). Cytogenetic location: 18q21.31.
Variant type: single nucleotide variant.
Coding change: c.2497C>T on transcript NM_001374385.1 (MANE Select); coding-DNA position 2497, C replaced by T.
Protein change: p.Arg833Trp; replaces arginine 833 with tryptophan.
Molecular consequence: missense variant.
Genome position (GRCh38, 1-based): chr18:57,661,384, G>A on the plus strand (C>T on the coding strand, the complement: ATP8B1 is on the minus strand). VCF-style: chr18-57661384-G-A. GRCh37 (hg19) VCF-style: chr18-55328616-G-A.
Other names: c.2347C>T, p.Arg783Trp (NM_001374386.1); c.2497C>T, p.Arg833Trp (NM_005603.6); short protein forms R783W, R833W.
Identifiers: ClinVar variation 3614010 (VCV003614010.3).